The following is an entry in ClinVar:

NM_052813.5(CARD9):c.1456G>C (p.Glu486Gln)

Gene: CARD9 (caspase recruitment domain family member 9; minus strand). Cytogenetic location: 9q34.3.
Variant type: single nucleotide variant.
Coding change: c.1456G>C on transcript NM_052813.5 (MANE Select); coding-DNA position 1456, G replaced by C.
Protein change: p.Glu486Gln; replaces glutamic acid 486 with glutamine.
Molecular consequence: missense variant. On other transcripts: intron variant (1).
Genome position (GRCh38, 1-based): chr9:136,364,538, C>G on the plus strand (G>C on the coding strand, the complement: CARD9 is on the minus strand). VCF-style: chr9-136364538-C-G. GRCh37 (hg19) VCF-style: chr9-139258990-C-G.
Other names: c.1441+15G>C (NM_052814.4); short protein forms E486Q.
Identifiers: ClinVar variation 1995636 (VCV001995636.3), dbSNP rs1188918578, ClinGen allele CA375541544.

ClinVar aggregate classification (germline): Uncertain significance (1 of 4 stars; one submission).

Conditions:
Predisposition to invasive fungal disease due to CARD9 deficiency (IMD103). Also called: IMMUNODEFICIENCY 103, SUSCEPTIBILITY TO FUNGAL INFECTIONS; Candidiasis, familial, 2, autosomal recessive; CARD9 IMMUNODEFICIENCY. Identifiers: Orphanet 457088, MedGen C1859353, MONDO:0008905, OMIM 212050.

gnomAD v4.1: 3 of 1,538,954 alleles (0.00019%); highest among the groups gnomAD compares: Non-Finnish European, 0.00017%; no homozygotes.

Submission:

Labcorp Genetics (formerly Invitae), Labcorp
Classification: Uncertain significance for Predisposition to invasive fungal disease due to CARD9 deficiency. Last evaluated: 2022-05-17. Review status: criteria provided, single submitter. Criteria: Invitae Variant Classification Sherloc (09022015). Collection method: clinical testing. Allele origin: germline.
Comment: In summary, the available evidence is currently insufficient to determine the role of this variant in disease. Therefore, it has been classified as a Variant of Uncertain Significance. Algorithms developed to predict the effect of missense changes on protein structure and function are either unavailable or do not agree on the potential impact of this missense change (SIFT: "Deleterious"; PolyPhen-2: "Possibly Damaging"; Align-GVGD: "Class C0"). This variant has not been reported in the literature in individuals affected with CARD9-related conditions. This variant is present in population databases (no rsID available, gnomAD 0.002%). This sequence change replaces glutamic acid, which is acidic and polar, with glutamine, which is neutral and polar, at codon 486 of the CARD9 protein (p.Glu486Gln).